The following is an entry in ClinVar:

ClinVar aggregate classification (germline): Uncertain significance. Review status: criteria provided, multiple submitters, no conflicts (2 of 4 stars). 2 submissions from 2 submitters: Uncertain significance (2). Last evaluated 2025-07-30.

Submissions (2):

Labcorp Genetics (formerly Invitae), Labcorp
Classification: Uncertain significance. Last evaluated: 2025-07-30. Review status: criteria provided, single submitter. Criteria: Invitae Variant Classification Sherloc (09022015). Collection method: clinical testing. Allele origin: germline.
Comment: This sequence change replaces serine, which is neutral and polar, with proline, which is neutral and non-polar, at codon 31 of the GUCA1A protein (p.Ser31Pro). This variant is not present in population databases (gnomAD no frequency). This variant has not been reported in the literature in individuals affected with GUCA1A-related conditions. ClinVar contains an entry for this variant (Variation ID: 3669860). An algorithm developed to predict the effect of missense changes on protein structure and function (PolyPhen-2) suggests that this variant is likely to be disruptive. In summary, the available evidence is currently insufficient to determine the role of this variant in disease. Therefore, it has been classified as a Variant of Uncertain Significance.

Blueprint Genetics
Classification: Uncertain significance. Last evaluated: 2022-09-05. Review status: criteria provided, single submitter. Criteria: ACMG Guidelines, 2015. Collection method: clinical testing. Allele origin: germline.

NM_001384910.1(GUCA1A):c.91T>C (p.Ser31Pro)

Genes: GUCA1A (guanylate cyclase activator 1A; plus strand), GUCA1ANB-GUCA1A (GUCA1ANB-GUCA1A readthrough; plus strand). Cytogenetic location: 6p21.1.
Variant type: single nucleotide variant.
Coding change: c.91T>C on transcript NM_001384910.1 (MANE Select); coding-DNA position 91, T replaced by C.
Protein change: p.Ser31Pro; replaces serine 31 with proline.
Molecular consequence: missense variant.
Genome position (GRCh38, 1-based): chr6:42,173,704, T>C. VCF-style: chr6-42173704-T-C. GRCh37 (hg19) VCF-style: chr6-42141442-T-C.
Other names: c.91T>C, p.Ser31Pro (NM_000409.5, NM_001319061.2, NM_001319062.2); short protein forms S31P.
Identifiers: ClinVar variation 3669860 (VCV003669860.3).